The following is an entry in ClinVar:

NM_012330.4(KAT6B):c.1244C>G (p.Thr415Ser)

Gene: KAT6B (lysine acetyltransferase 6B; plus strand). Cytogenetic location: 10q22.2.
Variant type: single nucleotide variant.
Coding change: c.1244C>G on transcript NM_012330.4 (MANE Select); coding-DNA position 1244, C replaced by G.
Protein change: p.Thr415Ser; replaces threonine 415 with serine.
Molecular consequence: missense variant. On other transcripts: intron variant (11).
Genome position (GRCh38, 1-based): chr10:74,975,581, C>G. VCF-style: chr10-74975581-C-G. GRCh37 (hg19) VCF-style: chr10-76735339-C-G.
Other names: c.1117+127C>G (NM_001256469.2, NM_001370132.1, NM_001370142.1 and 3 more transcripts); c.929-1735C>G (NM_001370144.1, NM_001370143.1); c.193-13438C>G (NM_001370135.1); c.1244C>G, p.Thr415Ser (NM_001256468.2, NM_001370136.1, NM_001370137.1 and 1 more transcripts); c.846+5806C>G (NM_001370133.1); c.193-3643C>G (NM_001370134.1); short protein forms T415S.
Identifiers: ClinVar variation 4718912 (VCV004718912.1).

ClinVar aggregate classification (germline): Uncertain significance (1 of 4 stars; one submission).

Conditions:
Genitopatellar syndrome (GTPTS). Also called: ABSENT PATELLAE, SCROTAL HYPOPLASIA, RENAL ANOMALIES, FACIAL DYSMORPHISM, AND MENTAL RETARDATION; Genitopatellar syndrome (GPS). Identifiers: Orphanet 85201, MedGen C1853566, MONDO:0011640, OMIM 606170.

Submission:

Labcorp Genetics (formerly Invitae), Labcorp
Classification: Uncertain significance for Genitopatellar syndrome. Last evaluated: 2025-09-15. Review status: criteria provided, single submitter. Criteria: Invitae Variant Classification Sherloc (09022015). Collection method: clinical testing. Allele origin: germline.
Comment: This sequence change replaces threonine, which is neutral and polar, with serine, which is neutral and polar, at codon 415 of the KAT6B protein (p.Thr415Ser). This variant is not present in population databases (gnomAD no frequency). This variant has not been reported in the literature in individuals affected with KAT6B-related conditions. An algorithm developed to predict the effect of missense changes on protein structure and function (PolyPhen-2) suggests that this variant is likely to be tolerated. In summary, the available evidence is currently insufficient to determine the role of this variant in disease. Therefore, it has been classified as a Variant of Uncertain Significance.